The following is an entry in ClinVar:

NM_014249.4(NR2E3):c.804G>A (p.Trp268Ter)

Gene: NR2E3 (nuclear receptor subfamily 2 group E member 3; plus strand). Cytogenetic location: 15q23.
Variant type: single nucleotide variant.
Coding change: c.804G>A on transcript NM_014249.4 (MANE Select); coding-DNA position 804, G replaced by A.
Protein change: p.Trp268Ter; replaces tryptophan 268 with a stop codon.
Molecular consequence: nonsense.
Genome position (GRCh38, 1-based): chr15:71,813,445, G>A. VCF-style: chr15-71813445-G-A. GRCh37 (hg19) VCF-style: chr15-72105785-G-A.
Other names: c.804G>A, p.Trp268Ter (NM_016346.4); short protein forms W268*.
Identifiers: ClinVar variation 864656 (VCV000864656.9), dbSNP rs1269569810, ClinGen allele CA393036504.

ClinVar aggregate classification (germline): Pathogenic/Likely pathogenic. Review status: criteria provided, multiple submitters, no conflicts (2 of 4 stars). 3 submissions from 3 submitters: Pathogenic (2); Likely pathogenic (1). Last evaluated 2025-12-19.

Conditions:
ENHANCED S-CONE SYNDROME 1 (ESCS1). Also called: RETINOSCHISIS WITH EARLY HEMERALOPIA; FAVRE HYALOIDEORETINAL DEGENERATION. Identifiers: MedGen CN380299, OMIM 268100.
NR2E3-related disorder. Also called: NR2E3-related condition; NR2E3-related disorders. Identifiers: MedGen CN239387.

Allele frequency attached by ClinVar (database versions not stated): gnomAD exomes below 0.00001; TOPMed below 0.00001; gnomAD 0.00001.
gnomAD v4.1: 2 of 1,610,410 alleles (0.00012%); highest among the groups gnomAD compares: Admixed American, 0.0017%; no homozygotes.

Submissions (3):

Myriad Genetics, Inc.
Classification: Pathogenic for ENHANCED S-CONE SYNDROME 1. Last evaluated: 2025-12-19. Review status: criteria provided, single submitter. Criteria: Myriad Autosomal Dominant, Autosomal Recessive and X-Linked Classification Criteria (2023). Collection method: clinical testing. Allele origin: unknown.
Comment: NM_014249.2(NR2E3):c.804G>A(W268*) is a nonsense variant classified as pathogenic in the context of enhanced S-cone syndrome. W268* has not been observed in cases with relevant disease. Relevant functional assessments of this variant are not available in the literature. W268* has not been observed in referenced population frequency databases. In summary, NM_014249.2(NR2E3):c.804G>A(W268*) is a nonsense variant in a gene where loss of function is a known mechanism of disease and is predicted to disrupt protein function. Please note: this variant was assessed in the context of healthy population screening.

Blueprint Genetics
Classification: Likely pathogenic for NR2E3-related disorders. Last evaluated: 2024-08-29. Review status: criteria provided, single submitter. Criteria: ACMG Guidelines, 2015. Collection method: clinical testing. Allele origin: germline. Affected: yes. Observed: 5 variant alleles.

Labcorp Genetics (formerly Invitae), Labcorp
Classification: Pathogenic. Last evaluated: 2023-08-09. Review status: criteria provided, single submitter. Criteria: Invitae Variant Classification Sherloc (09022015). Collection method: clinical testing. Allele origin: germline.
Comment: For these reasons, this variant has been classified as Pathogenic. Algorithms developed to predict the effect of sequence changes on RNA splicing suggest that this variant may create or strengthen a splice site. ClinVar contains an entry for this variant (Variation ID: 864656). This variant has not been reported in the literature in individuals affected with NR2E3-related conditions. This variant is not present in population databases (gnomAD no frequency). This sequence change creates a premature translational stop signal (p.Trp268*) in the NR2E3 gene. It is expected to result in an absent or disrupted protein product. Loss-of-function variants in NR2E3 are known to be pathogenic (PMID: 15459973, 27522502).

Literature cited by the submitters: PubMed 15459973 (cited by Labcorp Genetics (formerly Invitae), Labcorp); PubMed 27522502 (cited by Labcorp Genetics (formerly Invitae), Labcorp).